The following is an entry in ClinVar:

ClinVar aggregate classification (germline): Uncertain significance. Review status: criteria provided, multiple submitters, no conflicts (2 of 4 stars). 3 submissions from 3 submitters: Uncertain significance (3). Last evaluated 2026-02-03.

Conditions:
Hereditary cancer-predisposing syndrome. Also called: Hereditary neoplastic syndrome; Tumor predisposition; Hereditary Cancer Syndrome; Neoplastic Syndromes, Hereditary. Identifiers: Orphanet 140162, MedGen C0027672, MeSH D009386, MONDO:0015356.

Allele frequency attached by ClinVar (database versions not stated): gnomAD exomes below 0.00001 and 0.00001; ExAC 0.00002.
gnomAD v4.1: 5 of 1,612,800 alleles (0.00031%); highest among the groups gnomAD compares: East Asian, 0.0022%; no homozygotes.

Submissions (3):

Labcorp Genetics (formerly Invitae), Labcorp
Classification: Uncertain significance. Last evaluated: 2026-02-03. Review status: criteria provided, single submitter. Criteria: Invitae Variant Classification Sherloc (09022015). Collection method: clinical testing. Allele origin: germline.
Comment: This sequence change replaces serine, which is neutral and polar, with cysteine, which is neutral and slightly polar, at codon 2188 of the POLE protein (p.Ser2188Cys). This variant is present in population databases (rs780307061, gnomAD 0.01%). This variant has not been reported in the literature in individuals affected with POLE-related conditions. ClinVar contains an entry for this variant (Variation ID: 220704). Invitae Evidence Modeling of protein sequence and biophysical properties (such as structural, functional, and spatial information, amino acid conservation, physicochemical variation, residue mobility, and thermodynamic stability) indicates that this missense variant is not expected to disrupt POLE protein function with a negative predictive value of 80%. RNA analysis performed to evaluate the impact of this missense change on mRNA splicing indicates it does not significantly alter splicing (internal data). In summary, the available evidence is currently insufficient to determine the role of this variant in disease. Therefore, it has been classified as a Variant of Uncertain Significance.

Ambry Genetics
Classification: Uncertain significance for Hereditary cancer-predisposing syndrome. Last evaluated: 2025-04-16. Review status: criteria provided, single submitter. Criteria: Ambry Variant Classification Scheme 2023. Collection method: clinical testing. Allele origin: germline.
Comment: The p.S2188C variant (also known as c.6563C>G), located in coding exon 47 of the POLE gene, results from a C to G substitution at nucleotide position 6563. The serine at codon 2188 is replaced by cysteine, an amino acid with dissimilar properties. This amino acid position is well conserved in available vertebrate species. In addition, this alteration is predicted to be tolerated by in silico analysis. Based on the available evidence, the clinical significance of this variant remains unclear.

Quest Diagnostics Nichols Institute San Juan Capistrano
Classification: Uncertain significance. Last evaluated: 2020-03-16. Review status: criteria provided, single submitter. Criteria: Quest Diagnostics criteria. Collection method: clinical testing. Allele origin: unknown.

NM_006231.4(POLE):c.6563C>G (p.Ser2188Cys)

Gene: POLE (DNA polymerase epsilon, catalytic subunit; minus strand). Cytogenetic location: 12q24.33.
Variant type: single nucleotide variant.
Coding change: c.6563C>G on transcript NM_006231.4 (MANE Select); coding-DNA position 6563, C replaced by G.
Protein change: p.Ser2188Cys; replaces serine 2188 with cysteine.
Molecular consequence: missense variant.
Genome position (GRCh38, 1-based): chr12:132,625,739, G>C on the plus strand (C>G on the coding strand, the complement: POLE is on the minus strand). VCF-style: chr12-132625739-G-C. GRCh37 (hg19) VCF-style: chr12-133202325-G-C.
Other names: short protein forms S2188C.
Identifiers: ClinVar variation 220704 (VCV000220704.12), dbSNP rs780307061, ClinGen allele CA348445.